The following is an entry in ClinVar:

ClinVar aggregate classification (germline): Likely benign. Review status: criteria provided, single submitter (1 of 4 stars). 2 submissions from 2 submitters: Likely benign (1). 1 of the submissions does not count toward it. Last evaluated 2025-11-15.

Conditions:
CAD-related disorder. Also called: CAD-related condition.

Allele frequency attached by ClinVar (database versions not stated): gnomAD 0.00007 and 0.00008; ESP Exome Variant Server 0.00008; gnomAD exomes 0.00011 and 0.00043; TOPMed 0.00021; ExAC 0.00042.
gnomAD v4.1: 175 of 1,614,050 alleles (0.011%); highest among the groups gnomAD compares: Admixed American, 0.2%; no homozygotes.

Submissions (2):

Labcorp Genetics (formerly Invitae), Labcorp
Classification: Likely benign. Last evaluated: 2025-11-15. Review status: criteria provided, single submitter. Criteria: Invitae Variant Classification Sherloc (09022015). Collection method: clinical testing. Allele origin: germline.

PreventionGenetics, part of Exact Sciences
Classification: Likely benign for CAD-related condition. Last evaluated: 2022-12-29. Review status: no assertion criteria provided. Collection method: clinical testing. Allele origin: germline. Not counted in ClinVar's aggregate classification.
Comment: This variant is classified as likely benign based on ACMG/AMP sequence variant interpretation guidelines (Richards et al. 2015 PMID: 25741868, with internal and published modifications).

NM_004341.5(CAD):c.713G>A (p.Arg238His)

Gene: CAD (carbamoyl-phosphate synthetase 2, aspartate transcarbamylase, and dihydroorotase; plus strand). Cytogenetic location: 2p23.3.
Variant type: single nucleotide variant.
Coding change: c.713G>A on transcript NM_004341.5 (MANE Select); coding-DNA position 713, G replaced by A.
Protein change: p.Arg238His; replaces arginine 238 with histidine.
Molecular consequence: missense variant.
Genome position (GRCh38, 1-based): chr2:27,222,941, G>A. VCF-style: chr2-27222941-G-A. GRCh37 (hg19) VCF-style: chr2-27445809-G-A.
Other names: c.713G>A, p.Arg238His (NM_001306079.2); short protein forms R238H.
Identifiers: ClinVar variation 720046 (VCV000720046.10), dbSNP rs374198129, ClinGen allele CA1572504.